The following is an entry in ClinVar:

ClinVar aggregate classification (germline): Uncertain significance (1 of 4 stars; one submission).

Conditions:
Familial thoracic aortic aneurysm and aortic dissection (TAAD). Also called: Thoracic aortic aneurysms and dissections. Identifiers: Orphanet 91387, MedGen C4707243, MONDO:0019625.
Hereditary cancer-predisposing syndrome. Also called: Neoplastic Syndromes, Hereditary; Tumor predisposition; Hereditary Cancer Syndrome; Hereditary neoplastic syndrome. Identifiers: Orphanet 140162, MedGen C0027672, MeSH D009386, MONDO:0015356.

Submission:

Ambry Genetics
Classification: Uncertain significance for Hereditary cancer-predisposing syndrome; Familial thoracic aortic aneurysm and aortic dissection. Last evaluated: 2026-05-24. Review status: criteria provided, single submitter. Criteria: Ambry Variant Classification Scheme 2023. Collection method: clinical testing. Allele origin: germline.
Comment: The p.N468I variant (also known as c.1403A>T), located in coding exon 10 of the SMAD4 gene, results from an A to T substitution at nucleotide position 1403. The asparagine at codon 468 is replaced by isoleucine, an amino acid with dissimilar properties. This amino acid position is conserved. In addition, this alteration is predicted to be deleterious by in silico analysis. Based on the available evidence, the clinical significance of this variant remains unclear.

NM_005359.6(SMAD4):c.1403A>T (p.Asn468Ile)

Gene: SMAD4 (SMAD family member 4; plus strand). Cytogenetic location: 18q21.2.
Variant type: single nucleotide variant.
Coding change: c.1403A>T on transcript NM_005359.6 (MANE Select); coding-DNA position 1403, A replaced by T.
Protein change: p.Asn468Ile; replaces asparagine 468 with isoleucine.
Molecular consequence: missense variant. On other transcripts: non-coding transcript variant (1).
Genome position (GRCh38, 1-based): chr18:51,076,732, A>T. VCF-style: chr18-51076732-A-T. GRCh37 (hg19) VCF-style: chr18-48603102-A-T.
Other names: c.1403A>T, p.Asn468Ile (NM_001407041.1, NM_001407042.1); short protein forms N468I.
Identifiers: ClinVar variation 4864709 (VCV004864709.1).